The following is an entry in ClinVar:

ClinVar aggregate classification (germline): Uncertain significance (1 of 4 stars; one submission).

Allele frequency attached by ClinVar (database versions not stated): gnomAD 0.00001; ExAC 0.00002; gnomAD exomes 0.00002.

Submission:

Labcorp Genetics (formerly Invitae), Labcorp
Classification: Uncertain significance. Last evaluated: 2022-05-21. Review status: criteria provided, single submitter. Criteria: Invitae Variant Classification Sherloc (09022015). Collection method: clinical testing. Allele origin: germline.
Comment: Algorithms developed to predict the effect of missense changes on protein structure and function (SIFT, PolyPhen-2, Align-GVGD) all suggest that this variant is likely to be tolerated. In summary, the available evidence is currently insufficient to determine the role of this variant in disease. Therefore, it has been classified as a Variant of Uncertain Significance. This variant has not been reported in the literature in individuals affected with ERBB2-related conditions. This variant is present in population databases (rs767673890, gnomAD 0.03%). This sequence change replaces methionine, which is neutral and non-polar, with isoleucine, which is neutral and non-polar, at codon 198 of the ERBB2 protein (p.Met198Ile).

NM_004448.4(ERBB2):c.594G>A (p.Met198Ile)

Gene: ERBB2 (erb-b2 receptor tyrosine kinase 2; plus strand). Cytogenetic location: 17q12.
Variant type: single nucleotide variant.
Coding change: c.594G>A on transcript NM_004448.4 (MANE Select); coding-DNA position 594, G replaced by A.
Protein change: p.Met198Ile; replaces methionine 198 with isoleucine.
Molecular consequence: missense variant. On other transcripts: non-coding transcript variant (1), intron variant (2).
Genome position (GRCh38, 1-based): chr17:39,709,832, G>A. VCF-style: chr17-39709832-G-A. GRCh37 (hg19) VCF-style: chr17-37866085-G-A.
Other names: c.504G>A, p.Met168Ile (NM_001005862.3, NM_001289938.2, NM_001382782.1 and 1 more transcripts); c.549G>A, p.Met183Ile (NM_001289936.2); c.594G>A, p.Met198Ile (NM_001289937.2, NM_001382784.1, NM_001382785.1 and 17 more transcripts); c.669G>A, p.Met223Ile (NM_001382787.1); c.585G>A, p.Met195Ile (NM_001382791.1); c.440-26G>A (NM_001382799.1); c.74-2096G>A (NM_001382804.1); short protein forms M183I, M198I, M168I, M195I, M223I.
Identifiers: ClinVar variation 1938899 (VCV001938899.5), dbSNP rs767673890, ClinGen allele CA8533671.
Genomic context (GRCh38, chr17:39,709,832, plus strand): 5'-TAGACATCTCTCTCACTGCCTGTCTCTGGTTCTGTCCTCAGGCCACCCCTGTTCTCCGAT[G>A]TGTAAGGGCTCCCGCTGCTGGGGAGAGAGTTCTGAGGATTGTCAGAGCCGTGAGTCTCAG-3'
Protein context (NP_004439.2, residues 188-208): RSRACHPCSP[Met198Ile]CKGSRCWGES